The following is an entry in ClinVar:

ClinVar aggregate classification (germline): Uncertain significance. Review status: criteria provided, multiple submitters, no conflicts (2 of 4 stars). 2 submissions from 2 submitters: Uncertain significance (2). Last evaluated 2022-11-12.

Conditions:
Charcot-Marie-Tooth disease axonal type 2O. Also called: Charcot-Marie-Tooth Neuropathy Type 2O; Charcot-Marie-Tooth disease, axonal, type 20; CHARCOT-MARIE-TOOTH NEUROPATHY, AXONAL, TYPE 2O; CHARCOT-MARIE-TOOTH DISEASE, AXONAL, AUTOSOMAL DOMINANT, TYPE 2O. Identifiers: Orphanet 284232, MedGen C3280220, MONDO:0013644, OMIM 614228.

Submissions (2):

Labcorp Genetics (formerly Invitae), Labcorp
Classification: Uncertain significance for Charcot-Marie-Tooth disease axonal type 2O. Last evaluated: 2022-11-12. Review status: criteria provided, single submitter. Criteria: Invitae Variant Classification Sherloc (09022015). Collection method: clinical testing. Allele origin: germline.
Comment: In summary, the available evidence is currently insufficient to determine the role of this variant in disease. Therefore, it has been classified as a Variant of Uncertain Significance. Advanced modeling of protein sequence and biophysical properties (such as structural, functional, and spatial information, amino acid conservation, physicochemical variation, residue mobility, and thermodynamic stability) performed at Invitae indicates that this missense variant is not expected to disrupt DYNC1H1 protein function. ClinVar contains an entry for this variant (Variation ID: 1203590). This variant has not been reported in the literature in individuals affected with DYNC1H1-related conditions. This variant is not present in population databases (gnomAD no frequency). This sequence change replaces threonine, which is neutral and polar, with alanine, which is neutral and non-polar, at codon 1013 of the DYNC1H1 protein (p.Thr1013Ala).

GeneDx
Classification: Uncertain significance. Last evaluated: 2020-05-26. Review status: criteria provided, single submitter. Criteria: GeneDx Variant Classification Process June 2021. Collection method: clinical testing. Allele origin: germline. Affected: yes.
Comment: Has not been previously published as pathogenic or benign to our knowledge; Not observed in large population cohorts (Lek et al., 2016); In silico analysis, which includes protein predictors and evolutionary conservation, supports that this variant does not alter protein structure/function

NM_001376.5(DYNC1H1):c.3037A>G (p.Thr1013Ala)

Gene: DYNC1H1 (dynein cytoplasmic 1 heavy chain 1; plus strand). Cytogenetic location: 14q32.31.
Variant type: single nucleotide variant.
Coding change: c.3037A>G on transcript NM_001376.5 (MANE Select); coding-DNA position 3037, A replaced by G.
Protein change: p.Thr1013Ala; replaces threonine 1013 with alanine.
Molecular consequence: missense variant.
Genome position (GRCh38, 1-based): chr14:101,994,205, A>G. VCF-style: chr14-101994205-A-G. GRCh37 (hg19) VCF-style: chr14-102460542-A-G.
Other names: short protein forms T1013A.
Identifiers: ClinVar variation 1203590 (VCV001203590.6), dbSNP rs2141280415, ClinGen allele CA391031929.